The following is an entry in ClinVar:

ClinVar aggregate classification (germline): Likely pathogenic (1 of 4 stars; one submission).

Conditions:
Waardenburg syndrome type 4C (WS4C). Also called: WAARDENBURG SYNDROME WITH HIRSCHSPRUNG DISEASE, TYPE 4C. Identifiers: Orphanet 897, MedGen C2750452, MONDO:0013202, OMIM 613266.

Submission:

Molecular Genetics Laboratory; Baylor College of Medicine
Classification: Likely pathogenic. Review status: criteria provided, single submitter. Criteria: Submitter's publication. Collection method: not provided. Allele origin: unknown.
ClinVar note: Converted during submission from probable-pathogenic to Likely pathogenic.

NM_006941.4(SOX10):c.271_275del (p.Pro91fs)

Genes: POLR2F (RNA polymerase II, I and III subunit F; plus strand), SOX10 (SRY-box transcription factor 10; minus strand). Cytogenetic location: 22q13.1.
Variant type: Deletion.
Coding change: c.271_275del on transcript NM_006941.4 (MANE Select); coding-DNA positions 271 to 275, 5 bases deleted (CCCGT; older notation c.271_275delCCCGT).
Protein change: p.Pro91fs; shifts the reading frame from proline 91.
Molecular consequence: frameshift variant. On other transcripts: intron variant (3).
Genome position (GRCh38, 1-based): chr22:37,983,510-37,983,514, ACGGG deleted on the plus strand (CCCGT on the coding strand, the reverse complement: SOX10 is on the minus strand). VCF-style (leftmost placement, unchanged base first): chr22-37983509-CACGGG-C. GRCh37 (hg19) VCF-style: chr22-38379516-CACGGG-C.
Other names: c.*38+11200_*38+11204del (NM_001363825.1); c.294-2644_294-2640del (NM_001301130.2); c.293+16340_293+16344del (NM_001301131.2); short protein forms P91fs.
Identifiers: ClinVar variation 133303 (VCV000133303.4), dbSNP rs483353057, ClinGen allele CA156408.